The following is an entry in ClinVar:

ClinVar aggregate classification (germline): Conflicting classifications of pathogenicity. Review status: criteria provided, conflicting classifications (1 of 4 stars). 3 submissions from 3 submitters: Uncertain significance (1); Likely benign (2). Last evaluated 2025-11-08.

Conditions:
Inborn genetic diseases. Identifiers: MedGen C0950123, MeSH D030342.
KBG syndrome (KBGS). Also called: ANKRD11-Related KBG Syndrome. Identifiers: Orphanet 2332, MedGen C0220687, MONDO:0007846, OMIM 148050.

Allele frequency attached by ClinVar (database versions not stated): TOPMed below 0.00001; gnomAD 0.00001; ExAC 0.00003.
gnomAD v4.1: 43 of 1,613,324 alleles (0.0027%); highest among the groups gnomAD compares: South Asian, 0.036%; no homozygotes.

Submissions (3):

Ambry Genetics
Classification: Likely benign for Inborn genetic diseases. Last evaluated: 2025-11-08. Review status: criteria provided, single submitter. Criteria: Ambry Variant Classification Scheme 2023. Collection method: clinical testing. Allele origin: germline.

Labcorp Genetics (formerly Invitae), Labcorp
Classification: Uncertain significance for KBG syndrome. Last evaluated: 2024-06-17. Review status: criteria provided, single submitter. Criteria: Invitae Variant Classification Sherloc (09022015). Collection method: clinical testing. Allele origin: germline.
Comment: This sequence change replaces alanine, which is neutral and non-polar, with threonine, which is neutral and polar, at codon 1503 of the ANKRD11 protein (p.Ala1503Thr). This variant is present in population databases (rs537684815, gnomAD 0.03%). This variant has not been reported in the literature in individuals affected with ANKRD11-related conditions. Advanced modeling of protein sequence and biophysical properties (such as structural, functional, and spatial information, amino acid conservation, physicochemical variation, residue mobility, and thermodynamic stability) performed at Invitae indicates that this missense variant is not expected to disrupt ANKRD11 protein function with a negative predictive value of 95%. In summary, the available evidence is currently insufficient to determine the role of this variant in disease. Therefore, it has been classified as a Variant of Uncertain Significance.

Blueprint Genetics
Classification: Likely benign. Last evaluated: 2021-12-23. Review status: criteria provided, single submitter. Criteria: ACMG Guidelines, 2015. Collection method: clinical testing. Allele origin: germline.

NM_013275.6(ANKRD11):c.4507G>A (p.Ala1503Thr)

Gene: ANKRD11 (ankyrin repeat domain 11; minus strand). Cytogenetic location: 16q24.3.
Variant type: single nucleotide variant.
Coding change: c.4507G>A on transcript NM_013275.6 (MANE Select); coding-DNA position 4507, G replaced by A.
Protein change: p.Ala1503Thr; replaces alanine 1503 with threonine.
Molecular consequence: missense variant.
Genome position (GRCh38, 1-based): chr16:89,282,035, C>T on the plus strand (G>A on the coding strand, the complement: ANKRD11 is on the minus strand). VCF-style: chr16-89282035-C-T. GRCh37 (hg19) VCF-style: chr16-89348443-C-T.
Other names: c.4507G>A (NM_013275.4); c.4507G>A, p.Ala1503Thr (NM_001256182.2, NM_001256183.2); short protein forms A1503T.
Identifiers: ClinVar variation 2886786 (VCV002886786.5), dbSNP rs537684815, ClinGen allele CA8242093.